The following is an entry in ClinVar:

NM_001197104.2(KMT2A):c.6383C>A (p.Pro2128His)

Gene: KMT2A (lysine methyltransferase 2A; plus strand). Cytogenetic location: 11q23.3.
Variant type: single nucleotide variant.
Coding change: c.6383C>A on transcript NM_001197104.2 (MANE Select); coding-DNA position 6383, C replaced by A.
Protein change: p.Pro2128His; replaces proline 2128 with histidine.
Molecular consequence: missense variant.
Genome position (GRCh38, 1-based): chr11:118,501,735, C>A. VCF-style: chr11-118501735-C-A. GRCh37 (hg19) VCF-style: chr11-118372450-C-A.
Other names: c.6473C>A, p.Pro2158His (NM_001412597.1); c.6374C>A, p.Pro2125His (NM_005933.4); short protein forms P2125H, P2128H, P2158H.
Identifiers: ClinVar variation 2430798 (VCV002430798.1), dbSNP rs1464766436, ClinGen allele CA382801637.

ClinVar aggregate classification (germline): Uncertain significance (1 of 4 stars; one submission).

Allele frequency attached by ClinVar (database versions not stated): TOPMed below 0.00001.
gnomAD v4.1: 1 of 1,614,032 alleles (0.000062%); no homozygotes.

Submission:

GeneDx
Classification: Uncertain significance. Last evaluated: 2022-08-26. Review status: criteria provided, single submitter. Criteria: GeneDx Variant Classification Process June 2021. Collection method: clinical testing. Allele origin: germline. Affected: yes.
Comment: Not observed at significant frequency in large population cohorts (gnomAD); In silico analysis supports that this missense variant does not alter protein structure/function; Has not been previously published as pathogenic or benign to our knowledge